The following is an entry in ClinVar:

NM_001376.5(DYNC1H1):c.4838A>G (p.Lys1613Arg)

Gene: DYNC1H1 (dynein cytoplasmic 1 heavy chain 1; plus strand). Cytogenetic location: 14q32.31.
Variant type: single nucleotide variant.
Coding change: c.4838A>G on transcript NM_001376.5 (MANE Select); coding-DNA position 4838, A replaced by G.
Protein change: p.Lys1613Arg; replaces lysine 1613 with arginine.
Molecular consequence: missense variant.
Genome position (GRCh38, 1-based): chr14:102,002,920, A>G. VCF-style: chr14-102002920-A-G. GRCh37 (hg19) VCF-style: chr14-102469257-A-G.
Other names: short protein forms K1613R.
Identifiers: ClinVar variation 2132608 (VCV002132608.5), dbSNP rs748439827, ClinGen allele CA7352311.
Genomic context (GRCh38, chr14:102,002,920, plus strand): 5'-ACATCCAGGGAGTACAGAGGTCTCTGGAAAGATTGGCAGACCTGCTAGGAAAGATCCAGA[A>G]AGCATTGGGAGAATATCTGGAAAGAGAGCGGTCATCTTTCCCCAGGTAAGATCCTTGCTT-3'
Protein context (NP_001367.2, residues 1603-1623): RLADLLGKIQ[Lys1613Arg]ALGEYLERER

ClinVar aggregate classification (germline): Uncertain significance. Review status: criteria provided, multiple submitters, no conflicts (2 of 4 stars). 2 submissions from 2 submitters: Uncertain significance (2). Last evaluated 2025-06-03.

Conditions:
Inborn genetic diseases. Identifiers: MedGen C0950123, MeSH D030342.
Charcot-Marie-Tooth disease axonal type 2O. Also called: CHARCOT-MARIE-TOOTH NEUROPATHY, AXONAL, TYPE 2O; CHARCOT-MARIE-TOOTH DISEASE, AXONAL, AUTOSOMAL DOMINANT, TYPE 2O; Charcot-Marie-Tooth disease, axonal, type 20; Charcot-Marie-Tooth Neuropathy Type 2O. Identifiers: Orphanet 284232, MedGen C3280220, MONDO:0013644, OMIM 614228.

Allele frequency attached by ClinVar (database versions not stated): gnomAD exomes below 0.00001; ExAC 0.00001.
gnomAD v4.1: 1 of 1,614,196 alleles (0.000062%); highest among the groups gnomAD compares: Admixed American, 0.0017%; no homozygotes.

Submissions (2):

Ambry Genetics
Classification: Uncertain significance for Inborn genetic diseases. Last evaluated: 2025-06-03. Review status: criteria provided, single submitter. Criteria: Ambry Variant Classification Scheme 2023. Collection method: clinical testing. Allele origin: germline.

Labcorp Genetics (formerly Invitae), Labcorp
Classification: Uncertain significance for Charcot-Marie-Tooth disease axonal type 2O. Last evaluated: 2022-05-03. Review status: criteria provided, single submitter. Criteria: Invitae Variant Classification Sherloc (09022015). Collection method: clinical testing. Allele origin: germline.
Comment: Algorithms developed to predict the effect of missense changes on protein structure and function are either unavailable or do not agree on the potential impact of this missense change (SIFT: "Deleterious"; PolyPhen-2: "Probably Damaging"; Align-GVGD: "Class C0"). In summary, the available evidence is currently insufficient to determine the role of this variant in disease. Therefore, it has been classified as a Variant of Uncertain Significance. This sequence change replaces lysine, which is basic and polar, with arginine, which is basic and polar, at codon 1613 of the DYNC1H1 protein (p.Lys1613Arg). This variant is not present in population databases (gnomAD no frequency). This variant has not been reported in the literature in individuals affected with DYNC1H1-related conditions.